The following is an entry in ClinVar:

NM_001130438.3(SPTAN1):c.4604G>A (p.Arg1535His)

Gene: SPTAN1 (spectrin alpha, non-erythrocytic 1; plus strand). Cytogenetic location: 9q34.11.
Variant type: single nucleotide variant.
Coding change: c.4604G>A on transcript NM_001130438.3 (MANE Select); coding-DNA position 4604, G replaced by A.
Protein change: p.Arg1535His; replaces arginine 1535 with histidine.
Molecular consequence: missense variant.
Genome position (GRCh38, 1-based): chr9:128,609,130, G>A. VCF-style: chr9-128609130-G-A. GRCh37 (hg19) VCF-style: chr9-131371409-G-A.
Other names: p.R1535H:CGT>CAT; c.4544G>A, p.Arg1515His (NM_001195532.2, NM_001363765.2); c.4604G>A, p.Arg1535His (NM_001363759.2, NM_003127.4); short protein forms R1535H, R1515H.
Identifiers: ClinVar variation 207339 (VCV000207339.24), dbSNP rs745394212, ClinGen allele CA318709.

ClinVar aggregate classification (germline): Conflicting classifications of pathogenicity. Review status: criteria provided, conflicting classifications (1 of 4 stars). 3 submissions from 3 submitters: Uncertain significance (1); Likely benign (2). Last evaluated 2026-01-13.

Conditions:
Early-infantile DEE. Also called: Ohtahara syndrome; Early infantile epileptic encephalopathy; Early infantile epileptic encephalopathy with suppression bursts. Identifiers: Orphanet 1934, MedGen C0393706, MONDO:0800491.

Allele frequency attached by ClinVar (database versions not stated): TOPMed below 0.00001; ExAC 0.00001; gnomAD 0.00001; gnomAD exomes 0.00001 and 0.00002.
gnomAD v4.1: 24 of 1,614,192 alleles (0.0015%); highest among the groups gnomAD compares: Middle Eastern, 0.016%; no homozygotes.

Submissions (3):

Labcorp Genetics (formerly Invitae), Labcorp
Classification: Likely benign for Early-infantile DEE. Last evaluated: 2026-01-13. Review status: criteria provided, single submitter. Criteria: Invitae Variant Classification Sherloc (09022015). Collection method: clinical testing. Allele origin: germline.

CeGaT Center for Human Genetics Tuebingen
Classification: Uncertain significance. Last evaluated: 2024-12-01. Review status: criteria provided, single submitter. Criteria: CeGaT Center For Human Genetics Tuebingen Variant Classification Criteria Version 2. Collection method: clinical testing. Allele origin: germline. Affected: yes. Observed: 1 variant allele.

GeneDx
Classification: Likely benign. Last evaluated: 2015-08-07. Review status: criteria provided, single submitter. Criteria: GeneDx Variant Classification (06012015). Collection method: clinical testing. Allele origin: germline. Affected: yes.
Comment: This variant is considered likely benign or benign based on one or more of the following criteria: it is a conservative change, it occurs at a poorly conserved position in the protein, it is predicted to be benign by multiple in silico algorithms, and/or has population frequency not consistent with disease.